The following is an entry in ClinVar:

NM_002474.3(MYH11):c.530+4A>T

Gene: MYH11 (myosin heavy chain 11; minus strand). Cytogenetic location: 16p13.11.
Variant type: single nucleotide variant.
Coding change: c.530+4A>T on transcript NM_002474.3 (MANE Select); 4 bases into the intron after coding-DNA position 530, A replaced by T.
Molecular consequence: intron variant.
Genome position (GRCh38, 1-based): chr16:15,798,656, T>A on the plus strand (A>T on the coding strand, the complement: MYH11 is on the minus strand). VCF-style: chr16-15798656-T-A. GRCh37 (hg19) VCF-style: chr16-15892513-T-A.
Other names: c.530+4A>T (NM_022844.3, NM_001040114.2, NM_001040113.2).
Identifiers: ClinVar variation 3876286 (VCV003876286.1).
Genomic context (GRCh38, chr16:15,798,656, plus strand): 5'-TCGACTACAGATTAAAAAAAAAAAAAAACAAAAAAAAAACAGAAGAAAAAGCAGTTCCAC[T>A]TACGTGCATAGAATGGACTGGTCCTCCCGATCTGCAAACAGAAAGAAGAAAAAAGAGCCA-3'

ClinVar aggregate classification (germline): Uncertain significance (1 of 4 stars; one submission).

Conditions:
Familial thoracic aortic aneurysm and aortic dissection (TAAD). Also called: Thoracic aortic aneurysms and dissections. Identifiers: Orphanet 91387, MedGen C4707243, MONDO:0019625.

Submission:

Ambry Genetics
Classification: Uncertain significance for Familial thoracic aortic aneurysm and aortic dissection. Last evaluated: 2025-03-11. Review status: criteria provided, single submitter. Criteria: Ambry Variant Classification Scheme 2023. Collection method: clinical testing. Allele origin: germline.
Comment: The c.530+4A>T intronic variant results from an A to T substitution 4 nucleotides after coding exon 3 in the MYH11 gene. This nucleotide position is highly conserved in available vertebrate species. In silico splice site analysis predicts that this alteration will not have any significant effect on splicing. Based on the available evidence, the clinical significance of this variant remains unclear.